The following is an entry in ClinVar:

NM_000092.5(COL4A4):c.658-2A>G

Gene: COL4A4 (collagen type IV alpha 4 chain; minus strand). Cytogenetic location: 2q36.3.
Variant type: single nucleotide variant.
Coding change: c.658-2A>G on transcript NM_000092.5 (MANE Select); the canonical splice acceptor site of the intron before coding-DNA position 658, A replaced by G.
Molecular consequence: splice acceptor variant.
Genome position (GRCh38, 1-based): chr2:227,108,870, T>C on the plus strand (A>G on the coding strand, the complement: COL4A4 is on the minus strand). VCF-style: chr2-227108870-T-C. GRCh37 (hg19) VCF-style: chr2-227973586-T-C.
Identifiers: ClinVar variation 847984 (VCV000847984.8), dbSNP rs2061011908, ClinGen allele CA350859637.

ClinVar aggregate classification (germline): Likely pathogenic (1 of 4 stars; one submission).

Submission:

Labcorp Genetics (formerly Invitae), Labcorp
Classification: Likely pathogenic. Last evaluated: 2025-05-18. Review status: criteria provided, single submitter. Criteria: Invitae Variant Classification Sherloc (09022015). Collection method: clinical testing. Allele origin: germline.
Comment: This sequence change affects an acceptor splice site in intron 10 of the COL4A4 gene. It is expected to disrupt RNA splicing. Variants that disrupt the donor or acceptor splice site typically lead to a loss of protein function (PMID: 16199547), and loss-of-function variants in COL4A4 are known to be pathogenic (PMID: 21196518, 24854265, 25307543). This variant is not present in population databases (gnomAD no frequency). This variant has not been reported in the literature in individuals affected with COL4A4-related conditions. ClinVar contains an entry for this variant (Variation ID: 847984). Algorithms developed to predict the effect of sequence changes on RNA splicing suggest that this variant may disrupt the consensus splice site. In summary, the currently available evidence indicates that the variant is pathogenic, but additional data are needed to prove that conclusively. Therefore, this variant has been classified as Likely Pathogenic.

Literature cited by the submitters: PubMed 16199547; PubMed 21196518; PubMed 24854265; PubMed 25307543.